The following is an entry in ClinVar:

NM_005591.4(MRE11):c.544+2_544+5dup

Gene: MRE11 (MRE11 double strand break repair nuclease; minus strand). Cytogenetic location: 11q21.
Variant type: Duplication.
Coding change: c.544+2_544+5dup on transcript NM_005591.4 (MANE Select); the canonical splice donor site of the intron after coding-DNA position 544 through 5 bases into the intron after coding-DNA position 544, 4 bases duplicated (TAAG; older notation c.544+2_544+5dupTAAG).
Molecular consequence: splice donor variant.
Genome position (GRCh38, 1-based): chr11:94,478,730-94,478,733, CTTA duplicated on the plus strand (TAAG on the coding strand, the reverse complement: MRE11 is on the minus strand); duplicating any 4 consecutive bases within chr11:94,478,730-94,478,734 gives the same sequence; the c. name uses the placement nearest the transcript's 3' end. VCF-style (leftmost placement, unchanged base first): chr11-94478729-T-TCTTA. GRCh37 (hg19) VCF-style: chr11-94211895-T-TCTTA.
Other names: c.544+2_544+5dup (NM_001330347.2, NM_005590.4).
Identifiers: ClinVar variation 2846816 (VCV002846816.3), dbSNP rs2496554261, ClinGen allele CA2739270763.

ClinVar aggregate classification (germline): Uncertain significance (1 of 4 stars; one submission).

Conditions:
Ataxia-telangiectasia-like disorder (ATLD). Identifiers: MedGen C1858391, MONDO:0011457.

Submission:

Labcorp Genetics (formerly Invitae), Labcorp
Classification: Uncertain significance for Ataxia-telangiectasia-like disorder. Last evaluated: 2023-03-18. Review status: criteria provided, single submitter. Criteria: Invitae Variant Classification Sherloc (09022015). Collection method: clinical testing. Allele origin: germline.
Comment: This sequence change falls in intron 6 of the MRE11 gene. It does not directly change the encoded amino acid sequence of the MRE11 protein. It affects a nucleotide within the consensus splice site. This variant is not present in population databases (gnomAD no frequency). This variant has not been reported in the literature in individuals affected with MRE11-related conditions. Variants that disrupt the consensus splice site are a relatively common cause of aberrant splicing (PMID: 17576681, 9536098). Algorithms developed to predict the effect of sequence changes on RNA splicing suggest that this variant is not likely to affect RNA splicing. In summary, the available evidence is currently insufficient to determine the role of this variant in disease. Therefore, it has been classified as a Variant of Uncertain Significance.

Literature cited by the submitters: PubMed 17576681; PubMed 9536098.